The following is an entry in ClinVar:

NM_000232.5(SGCB):c.821G>A (p.Gly274Glu)

Gene: SGCB (sarcoglycan beta; minus strand). Cytogenetic location: 4q12.
Variant type: single nucleotide variant.
Coding change: c.821G>A on transcript NM_000232.5 (MANE Select); coding-DNA position 821, G replaced by A.
Protein change: p.Gly274Glu; replaces glycine 274 with glutamic acid.
Molecular consequence: missense variant.
Genome position (GRCh38, 1-based): chr4:52,024,093, C>T on the plus strand (G>A on the coding strand, the complement: SGCB is on the minus strand). VCF-style: chr4-52024093-C-T. GRCh37 (hg19) VCF-style: chr4-52890259-C-T.
Other names: short protein forms G274E.
Identifiers: ClinVar variation 1353142 (VCV001353142.6), dbSNP rs2110209607, ClinGen allele CA356875322.

ClinVar aggregate classification (germline): Uncertain significance (1 of 4 stars; one submission).

Conditions:
Autosomal recessive limb-girdle muscular dystrophy type 2E (LGMDR4). Also called: MUSCULAR DYSTROPHY, LIMB-GIRDLE, AUTOSOMAL RECESSIVE 4. Identifiers: Orphanet 119, MedGen C1858593, MONDO:0011423, OMIM 604286. Disease mechanism: Affects gamma-sarcoglycan and also disrupts the integrity of the entire sarcoglycan complex..

Allele frequency attached by ClinVar (database versions not stated): gnomAD exomes below 0.00001.
gnomAD v4.1: 2 of 1,614,040 alleles (0.00012%); highest among the groups gnomAD compares: African/African-American, 0.0013%; no homozygotes.

Submission:

Labcorp Genetics (formerly Invitae), Labcorp
Classification: Uncertain significance for Autosomal recessive limb-girdle muscular dystrophy type 2E. Last evaluated: 2022-02-04. Review status: criteria provided, single submitter. Criteria: Invitae Variant Classification Sherloc (09022015). Collection method: clinical testing. Allele origin: germline.
Comment: This sequence change replaces glycine, which is neutral and non-polar, with glutamic acid, which is acidic and polar, at codon 274 of the SGCB protein (p.Gly274Glu). This variant is not present in population databases (gnomAD no frequency). This variant has not been reported in the literature in individuals affected with SGCB-related conditions. Algorithms developed to predict the effect of missense changes on protein structure and function are either unavailable or do not agree on the potential impact of this missense change (SIFT: "Deleterious"; PolyPhen-2: "Benign"; Align-GVGD: "Class C15"). In summary, the available evidence is currently insufficient to determine the role of this variant in disease. Therefore, it has been classified as a Variant of Uncertain Significance.